The following is an entry in ClinVar:

NM_001077653.2(TBX20):c.414G>A (p.Ser138=)

Gene: TBX20 (T-box transcription factor 20; minus strand). Cytogenetic location: 7p14.2.
Variant type: single nucleotide variant.
Coding change: c.414G>A on transcript NM_001077653.2 (MANE Select); coding-DNA position 414, G replaced by A.
Protein change: p.Ser138=; no amino-acid change (serine 138 retained).
Molecular consequence: synonymous variant.
Genome position (GRCh38, 1-based): chr7:35,248,808, C>T on the plus strand (G>A on the coding strand, the complement: TBX20 is on the minus strand). VCF-style: chr7-35248808-C-T. GRCh37 (hg19) VCF-style: chr7-35288420-C-T.
Other names: c.414G>A, p.Ser138= (LRG_755t1, NM_001166220.1).
Identifiers: ClinVar variation 264385 (VCV000264385.20), dbSNP rs144597480, ClinGen allele CA4217511.
Genomic context (GRCh38, chr7:35,248,808, plus strand): 5'-CTTGTTGTCCACAGGGACGATGTCCATCAGGACTATGTACTTGGCCTCAGGATCCACCCC[C>T]GAAAAGGACACCCGGATGGTTGGAAACATCCTCCTGACAGAGAGAGAGAGAGAGAATGGG-3'
Protein context (NP_001071121.1, residues 128-148): RMFPTIRVSF[Ser138=]GVDPEAKYIV

ClinVar aggregate classification (germline): Conflicting classifications of pathogenicity. Review status: criteria provided, conflicting classifications (1 of 4 stars). 7 submissions from 7 submitters: Uncertain significance (1); Likely benign (3). 3 of the submissions do not count toward it. Last evaluated 2025-12-24.

Conditions:
Cardiovascular phenotype. Identifiers: MedGen CN230736.

Allele frequency attached by ClinVar (database versions not stated): gnomAD exomes 0.00013 and 0.00034; ExAC 0.00014; TOPMed 0.00020; gnomAD 0.00024 and 0.00025; ESP Exome Variant Server 0.00038.
gnomAD v4.1: 538 of 1,614,024 alleles (0.033%); highest among the groups gnomAD compares: Non-Finnish European, 0.043%; no homozygotes.

Submissions (7):

Labcorp Genetics (formerly Invitae), Labcorp
Classification: Likely benign. Last evaluated: 2025-12-24. Review status: criteria provided, single submitter. Criteria: Invitae Variant Classification Sherloc (09022015). Collection method: clinical testing. Allele origin: germline.

Blueprint Genetics
Classification: Likely benign. Last evaluated: 2023-10-31. Review status: criteria provided, single submitter. Criteria: ACMG Guidelines, 2015. Collection method: clinical testing. Allele origin: germline.

GeneDx
Classification: Uncertain significance. Last evaluated: 2022-11-30. Review status: criteria provided, single submitter. Criteria: GeneDx Variant Classification Process June 2021. Collection method: clinical testing. Allele origin: germline. Affected: yes.
Comment: In silico analysis supports a deleterious effect on splicing; Has not been previously published as pathogenic or benign to our knowledge

Ambry Genetics
Classification: Likely benign for Cardiovascular phenotype. Last evaluated: 2015-10-28. Review status: criteria provided, single submitter. Criteria: Ambry Variant Classification Scheme 2023. Collection method: clinical testing. Allele origin: germline.

Clinical Genetics DNA and cytogenetics Diagnostics Lab, Erasmus MC, Erasmus Medical Center
Classification: Likely benign. Review status: no assertion criteria provided. Collection method: clinical testing. Allele origin: germline. Affected: yes. Study: VKGL Data-share Consensus. Not counted in ClinVar's aggregate classification.

Department of Pathology and Laboratory Medicine, Sinai Health System
Classification: Uncertain significance. Review status: no assertion criteria provided. Collection method: clinical testing. Allele origin: unknown. Affected: yes. Study: The Canadian Open Genetics Repository (COGR). Not counted in ClinVar's aggregate classification.
Comment: The TBX20 p.Ser138Ser variant was not identified in the literature nor was it identified in LOVD 3.0. The variant was identified in dbSNP (ID: rs144597480) and ClinVar (classified as likely benign by Ambry Genetics). The variant was identified in control databases in 37 of 282866 chromosomes at a frequency of 0.0001308 (Genome Aggregation Database March 6, 2019, v2.1.1). The variant was observed in the following populations: Other in 2 of 7226 chromosomes (freq: 0.000277), European (non-Finnish) in 30 of 129180 chromosomes (freq: 0.000232), African in 2 of 24966 chromosomes (freq: 0.00008), Latino in 2 of 35440 chromosomes (freq: 0.000056) and South Asian in 1 of 30616 chromosomes (freq: 0.000033), but was not observed in the Ashkenazi Jewish, East Asian, or European (Finnish) populations. The p.Ser138Ser variant is not expected to have clinical significance because it does not result in a change of amino acid and is not located in a known consensus splice site. However, 4 of 4 in silico or computational prediction software programs (SpliceSiteFinder, MaxEntScan, NNSPLICE, GeneSplicer) predict a greater than 10% difference in splicing and the creation of a new 3' splice site. However, this has not been confirmed by RNA analysis and is not predictive enough to assume pathogenicity. In summary, based on the above information the clinical significance of this variant cannot be determined with certainty at this time. This variant is classified as a variant of uncertain significance.

Joint Genome Diagnostic Labs from Nijmegen and Maastricht, Radboudumc and MUMC+
Classification: Likely benign. Review status: no assertion criteria provided. Collection method: clinical testing. Allele origin: germline. Affected: yes. Study: VKGL Data-share Consensus. Not counted in ClinVar's aggregate classification.